The following is an entry in ClinVar:

NM_213720.3(CHCHD10):c.312C>T (p.Tyr104=)

Gene: CHCHD10 (coiled-coil-helix-coiled-coil-helix domain containing 10; minus strand). Cytogenetic location: 22q11.23.
Variant type: single nucleotide variant.
Coding change: c.312C>T on transcript NM_213720.3 (MANE Select); coding-DNA position 312, C replaced by T.
Protein change: p.Tyr104=; no amino-acid change (tyrosine 104 retained).
Molecular consequence: synonymous variant. On other transcripts: non-coding transcript variant (2).
Genome position (GRCh38, 1-based): chr22:23,766,225, G>A on the plus strand (C>T on the coding strand, the complement: CHCHD10 is on the minus strand). VCF-style: chr22-23766225-G-A. GRCh37 (hg19) VCF-style: chr22-24108412-G-A.
Other names: p.Tyr104=; c.333C>T, p.Tyr111= (NM_001301339.2).
Identifiers: ClinVar variation 379953 (VCV000379953.21), dbSNP rs9153, ClinGen allele CA10145260.

ClinVar aggregate classification (germline): Benign. Review status: criteria provided, multiple submitters, no conflicts (2 of 4 stars). 11 submissions from 9 submitters: Benign (8). 3 of the submissions do not count toward it. Last evaluated 2026-02-04.

Conditions:
Lower motor neuron syndrome with late-adult onset (SMAJ). Also called: Late-Onset Spinal Motor Neuronopathy (SMAJ); Spinal muscular atrophy, Jokela type. Identifiers: Orphanet 276435, MedGen C3554398, MONDO:0014025, OMIM 615048.
Autosomal dominant mitochondrial myopathy with exercise intolerance (IMMD). Also called: Myopathy, isolated mitochondrial, autosomal dominant. Identifiers: Orphanet 457050, MedGen C4015513, MONDO:0014532, OMIM 616209.
Frontotemporal dementia and/or amyotrophic lateral sclerosis 2. Also called: FTDALS2. Identifiers: Orphanet 275872, MedGen C4014648, MONDO:0014395, OMIM 615911.

Allele frequency attached by ClinVar (database versions not stated): 1000 Genomes Project 30x 0.73610; 1000 Genomes Project 0.72983; TOPMed 0.79787; ESP Exome Variant Server 0.80501.
gnomAD v4.1: 1,263,633 of 1,577,154 alleles (80%); highest among the groups gnomAD compares: Non-Finnish European, 82%; 506,344 homozygotes.

Submissions (11):

Labcorp Genetics (formerly Invitae), Labcorp
Classification: Benign for Lower motor neuron syndrome with late-adult onset; Frontotemporal dementia and/or amyotrophic lateral sclerosis 2; Autosomal dominant mitochondrial myopathy with exercise intolerance. Last evaluated: 2026-02-04. Review status: criteria provided, single submitter. Criteria: Invitae Variant Classification Sherloc (09022015). Collection method: clinical testing. Allele origin: germline.

Mayo Clinic Laboratories, Mayo Clinic
Classification: Benign. Last evaluated: 2022-10-27. Review status: criteria provided, single submitter. Criteria: ACMG Guidelines, 2015. Collection method: clinical testing. Allele origin: germline. Observed: 2,891 variant alleles.

Genome-Nilou Lab
Classification: Benign for Autosomal dominant mitochondrial myopathy with exercise intolerance. Last evaluated: 2021-07-22. Review status: criteria provided, single submitter. Criteria: ACMG Guidelines, 2015. Collection method: clinical testing. Allele origin: germline. Affected: no.

Genome-Nilou Lab
Classification: Benign for Frontotemporal dementia and/or amyotrophic lateral sclerosis 2. Last evaluated: 2021-07-22. Review status: criteria provided, single submitter. Criteria: ACMG Guidelines, 2015. Collection method: clinical testing. Allele origin: germline. Affected: no.

Genome-Nilou Lab
Classification: Benign for Lower motor neuron syndrome with late-adult onset. Last evaluated: 2021-07-22. Review status: criteria provided, single submitter. Criteria: ACMG Guidelines, 2015. Collection method: clinical testing. Allele origin: germline. Affected: no.

Mendelics
Classification: Benign for Lower motor neuron syndrome with late-adult onset. Last evaluated: 2019-05-28. Review status: criteria provided, single submitter. Criteria: Mendelics Assertion Criteria 2017. Collection method: clinical testing. Allele origin: unknown.

GeneDx
Classification: Benign. Last evaluated: 2016-02-03. Review status: criteria provided, single submitter. Criteria: GeneDx Variant Classification (06012015). Collection method: clinical testing. Allele origin: germline. Affected: yes.
Comment: This variant is considered likely benign or benign based on one or more of the following criteria: it is a conservative change, it occurs at a poorly conserved position in the protein, it is predicted to be benign by multiple in silico algorithms, and/or has population frequency not consistent with disease.

Breakthrough Genomics
Classification: Benign. Review status: criteria provided, single submitter. Criteria: ACMG Guidelines, 2015. Collection method: not provided. Allele origin: germline. Inheritance: Autosomal dominant inheritance. Affected: yes.

Clinical Genetics, Academic Medical Center
Classification: Benign. Review status: no assertion criteria provided. Collection method: clinical testing. Allele origin: germline. Affected: yes. Study: VKGL Data-share Consensus. Not counted in ClinVar's aggregate classification.

Genome Diagnostics Laboratory, Amsterdam University Medical Center
Classification: Benign. Review status: no assertion criteria provided. Collection method: clinical testing. Allele origin: germline. Affected: yes. Study: VKGL Data-share Consensus. Not counted in ClinVar's aggregate classification.

Joint Genome Diagnostic Labs from Nijmegen and Maastricht, Radboudumc and MUMC+
Classification: Benign. Review status: no assertion criteria provided. Collection method: clinical testing. Allele origin: germline. Affected: yes. Study: VKGL Data-share Consensus. Not counted in ClinVar's aggregate classification.